The following is an entry in ClinVar:

ClinVar aggregate classification (germline): Uncertain significance (1 of 4 stars; one submission).

Conditions:
Cardiovascular phenotype. Identifiers: MedGen CN230736.

Submission:

Ambry Genetics
Classification: Uncertain significance for Cardiovascular phenotype. Last evaluated: 2025-11-02. Review status: criteria provided, single submitter. Criteria: Ambry Variant Classification Scheme 2023. Collection method: clinical testing. Allele origin: germline.
Comment: The p.K193R variant (also known as c.578A>G), located in coding exon 4 of the SCN4B gene, results from an A to G substitution at nucleotide position 578. The lysine at codon 193 is replaced by arginine, an amino acid with highly similar properties. This amino acid position is conserved. In addition, the in silico prediction for this alteration is inconclusive. Based on the available evidence, the clinical significance of this variant remains unclear.

NM_174934.4(SCN4B):c.578A>G (p.Lys193Arg)

Gene: SCN4B (sodium voltage-gated channel beta subunit 4; minus strand). Cytogenetic location: 11q23.3.
Variant type: single nucleotide variant.
Coding change: c.578A>G on transcript NM_174934.4 (MANE Select); coding-DNA position 578, A replaced by G.
Protein change: p.Lys193Arg; replaces lysine 193 with arginine.
Molecular consequence: missense variant. On other transcripts: non-coding transcript variant (1).
Genome position (GRCh38, 1-based): chr11:118,141,222, T>C on the plus strand (A>G on the coding strand, the complement: SCN4B is on the minus strand). VCF-style: chr11-118141222-T-C. GRCh37 (hg19) VCF-style: chr11-118011937-T-C.
Other names: c.176A>G, p.Lys59Arg (NM_001142348.2); c.248A>G, p.Lys83Arg (NM_001142349.2); short protein forms K59R, K193R, K83R.
Identifiers: ClinVar variation 4614931 (VCV004614931.1).
Genomic context (GRCh38, chr11:118,141,222, plus strand): 5'-TGGTGGGCTGCTGGGAGGACAGGAGTGTGCTCCAGATCAACTCACTTCTTCTCCCGAGTC[T>C]TCTTCAGGATGAAGATGATGAGTTTCTTGATCAGCAGGATGAGGATGAGGAGCCCGATGA-3'
Protein context (NP_777594.1, residues 183-203): IKKLIIFILK[Lys193Arg]TREKKKECLV